The following is an entry in ClinVar:

ClinVar aggregate classification (germline): Conflicting classifications of pathogenicity. Review status: criteria provided, conflicting classifications (1 of 4 stars). 3 submissions from 3 submitters: Uncertain significance (1); Likely benign (1). 1 of the submissions does not count toward it. Last evaluated 2024-10-18.

Conditions:
Hereditary cancer-predisposing syndrome. Also called: Neoplastic Syndromes, Hereditary; Tumor predisposition; Hereditary Cancer Syndrome; Hereditary neoplastic syndrome. Identifiers: Orphanet 140162, MedGen C0027672, MeSH D009386, MONDO:0015356.
Ataxia-telangiectasia syndrome (AT). Also called: ATAXIA-TELANGIECTASIA, COMPLEMENTATION GROUP A; ATAXIA-TELANGIECTASIA, FRESNO VARIANT; Ataxia-telangiectasia; Ataxia-telangiectasia, complementation group D; AT, COMPLEMENTATION GROUP C; Ataxia-telangiectasia, complementation group E. Identifiers: Orphanet 100, MedGen C0004135, MONDO:0008840, OMIM 208900.

Allele frequency attached by ClinVar (database versions not stated): ExAC 0.00011.

Submissions (3):

Ambry Genetics
Classification: Likely benign for Hereditary cancer-predisposing syndrome. Last evaluated: 2024-10-18. Review status: criteria provided, single submitter. Criteria: Ambry Variant Classification Scheme 2023. Collection method: clinical testing. Allele origin: germline.

Labcorp Genetics (formerly Invitae), Labcorp
Classification: Uncertain significance for Ataxia-telangiectasia syndrome. Last evaluated: 2018-08-29. Review status: criteria provided, single submitter. Criteria: Invitae Variant Classification Sherloc (09022015). Collection method: clinical testing. Allele origin: germline.
Comment: The frequency data for this variant in the population databases is considered unreliable, as metrics indicate poor data quality at this position in the ExAC database. In summary, the available evidence is currently insufficient to determine the role of this variant in disease. Therefore, it has been classified as a Variant of Uncertain Significance. Algorithms developed to predict the effect of missense changes on protein structure and function (SIFT, PolyPhen-2, Align-GVGD) all suggest that this variant is likely to be tolerated, but these predictions have not been confirmed by published functional studies and their clinical significance is uncertain. This variant has not been reported in the literature in individuals with ATM-related disease. This sequence change replaces histidine with asparagine at codon 192 of the ATM protein (p.His192Asn). The histidine residue is moderately conserved and there is a small physicochemical difference between histidine and asparagine.

Natera, Inc.
Classification: Uncertain significance for Ataxia-telangiectasia. Last evaluated: 2019-10-28. Review status: no assertion criteria provided. Collection method: clinical testing. Allele origin: germline. Not counted in ClinVar's aggregate classification.

NM_000051.4(ATM):c.574C>A (p.His192Asn)

Gene: ATM (ATM serine/threonine kinase; plus strand). Cytogenetic location: 11q22.3.
Variant type: single nucleotide variant.
Coding change: c.574C>A on transcript NM_000051.4 (MANE Select); coding-DNA position 574, C replaced by A.
Protein change: p.His192Asn; replaces histidine 192 with asparagine.
Molecular consequence: missense variant.
Genome position (GRCh38, 1-based): chr11:108,244,030, C>A. VCF-style: chr11-108244030-C-A. GRCh37 (hg19) VCF-style: chr11-108114757-C-A.
Other names: c.574C>A, p.His192Asn (NM_001351834.2); short protein forms H192N.
Identifiers: ClinVar variation 524262 (VCV000524262.18), dbSNP rs587780629, ClinGen allele CA6264632.